The following is an entry in ClinVar:

ClinVar aggregate classification (germline): Uncertain significance. Review status: criteria provided, multiple submitters, no conflicts (2 of 4 stars). 4 submissions from 4 submitters: Uncertain significance (4). Last evaluated 2026-06-02.

Conditions:
Delpire-McNeill syndrome. Also called: SLC12A2-related autosomal dominant infantile-developmental delay-intellectual disability-sensorineural deafness syndrome. Identifiers: Orphanet 633024, MedGen C5436771, MONDO:0033667, OMIM 619083.
Hearing loss, autosomal dominant 78. Also called: DEAFNESS, AUTOSOMAL DOMINANT 78. Identifiers: MedGen C5436768, MONDO:0033665, OMIM 619081.
Kilquist syndrome (KILQS). Also called: SLC12A2-related autosomal recessive neonatal-developmental delay-intellectual disability-feeding difficulty-sensorineural deafness syndrome. Identifiers: Orphanet 633021, MedGen C5436756, MONDO:0033664, OMIM 619080.
SLC12A2-related disorder. Also called: SLC12A2-related disorders; SLC12A2-related condition.
Inborn genetic diseases. Identifiers: MedGen C0950123, MeSH D030342.

Submissions (4):

PreventionGenetics, part of Exact Sciences
Classification: Uncertain significance for SLC12A2-related condition. Last evaluated: 2026-06-02. Review status: criteria provided, single submitter. Criteria: ACMG Guidelines, 2015. Collection method: clinical testing. Allele origin: germline.
Comment: The SLC12A2 c.2848G>A variant is predicted to result in the amino acid substitution p.Val950Met. To our knowledge, this variant has not been reported in the literature. This variant is reported in 0.0080% of alleles in individuals of African descent in gnomAD. At this time, the clinical significance of this variant is uncertain due to the absence of conclusive functional and genetic evidence.

Ambry Genetics
Classification: Uncertain significance for Inborn genetic diseases. Last evaluated: 2025-08-28. Review status: criteria provided, single submitter. Criteria: Ambry Variant Classification Scheme 2023. Collection method: clinical testing. Allele origin: germline.

Labcorp Genetics (formerly Invitae), Labcorp
Classification: Uncertain significance. Last evaluated: 2024-10-22. Review status: criteria provided, single submitter. Criteria: Invitae Variant Classification Sherloc (09022015). Collection method: clinical testing. Allele origin: germline.
Comment: This sequence change replaces valine, which is neutral and non-polar, with methionine, which is neutral and non-polar, at codon 950 of the SLC12A2 protein (p.Val950Met). This variant is present in population databases (rs760024899, gnomAD 0.008%). This variant has not been reported in the literature in individuals affected with SLC12A2-related conditions. ClinVar contains an entry for this variant (Variation ID: 1445687). Invitae Evidence Modeling of protein sequence and biophysical properties (such as structural, functional, and spatial information, amino acid conservation, physicochemical variation, residue mobility, and thermodynamic stability) indicates that this missense variant is not expected to disrupt SLC12A2 protein function with a negative predictive value of 95%. In summary, the available evidence is currently insufficient to determine the role of this variant in disease. Therefore, it has been classified as a Variant of Uncertain Significance.

Fulgent Genetics
Classification: Uncertain significance for Kilquist syndrome; Hearing loss, autosomal dominant 78; Delpire-McNeill syndrome. Last evaluated: 2022-03-03. Review status: criteria provided, single submitter. Criteria: ACMG Guidelines, 2015. Collection method: clinical testing. Allele origin: unknown.

NM_001046.3(SLC12A2):c.2848G>A (p.Val950Met)

Gene: SLC12A2 (solute carrier family 12 member 2; plus strand). Cytogenetic location: 5q23.3.
Variant type: single nucleotide variant.
Coding change: c.2848G>A on transcript NM_001046.3 (MANE Select); coding-DNA position 2848, G replaced by A.
Protein change: p.Val950Met; replaces valine 950 with methionine.
Molecular consequence: missense variant. On other transcripts: non-coding transcript variant (1).
Genome position (GRCh38, 1-based): chr5:128,174,585, G>A. VCF-style: chr5-128174585-G-A. GRCh37 (hg19) VCF-style: chr5-127510277-G-A.
Other names: c.2848G>A, p.Val950Met (NM_001256461.2); c.2848G>A (NM_001046.2); short protein forms V950M.
Identifiers: ClinVar variation 1445687 (VCV001445687.11), dbSNP rs760024899, ClinGen allele CA3393488.